The following is an entry in ClinVar:

ClinVar aggregate classification (germline): Uncertain significance. Review status: criteria provided, multiple submitters, no conflicts (2 of 4 stars). 2 submissions from 2 submitters: Uncertain significance (2). Last evaluated 2025-02-12.

Conditions:
Inborn genetic diseases. Identifiers: MedGen C0950123, MeSH D030342.
Holoprosencephaly sequence (HPE). Also called: Holoprosencephaly. Identifiers: Orphanet 2162, MedGen C0079541, MONDO:0016296, HP:0001360.

Allele frequency attached by ClinVar (database versions not stated): gnomAD exomes 0.00002 and 0.00005; TOPMed 0.00003; gnomAD 0.00005; ESP Exome Variant Server 0.00008; ExAC 0.00009.

Submissions (2):

Ambry Genetics
Classification: Uncertain significance for Inborn genetic diseases. Last evaluated: 2025-02-12. Review status: criteria provided, single submitter. Criteria: Ambry Variant Classification Scheme 2023. Collection method: clinical testing. Allele origin: germline.

Labcorp Genetics (formerly Invitae), Labcorp
Classification: Uncertain significance for Holoprosencephaly sequence. Last evaluated: 2025-02-06. Review status: criteria provided, single submitter. Criteria: Invitae Variant Classification Sherloc (09022015). Collection method: clinical testing. Allele origin: germline.
Comment: This sequence change replaces proline, which is neutral and non-polar, with leucine, which is neutral and non-polar, at codon 187 of the FOXH1 protein (p.Pro187Leu). This variant is present in population databases (rs371197993, gnomAD 0.006%). This variant has not been reported in the literature in individuals affected with FOXH1-related conditions. ClinVar contains an entry for this variant (Variation ID: 1516632). Invitae Evidence Modeling of protein sequence and biophysical properties (such as structural, functional, and spatial information, amino acid conservation, physicochemical variation, residue mobility, and thermodynamic stability) indicates that this missense variant is not expected to disrupt FOXH1 protein function with a negative predictive value of 80%. In summary, the available evidence is currently insufficient to determine the role of this variant in disease. Therefore, it has been classified as a Variant of Uncertain Significance.

NM_003923.3(FOXH1):c.560C>T (p.Pro187Leu)

Gene: FOXH1 (forkhead box H1; minus strand). Cytogenetic location: 8q24.3.
Variant type: single nucleotide variant.
Coding change: c.560C>T on transcript NM_003923.3 (MANE Select); coding-DNA position 560, C replaced by T.
Protein change: p.Pro187Leu; replaces proline 187 with leucine.
Molecular consequence: missense variant.
Genome position (GRCh38, 1-based): chr8:144,474,776, G>A on the plus strand (C>T on the coding strand, the complement: FOXH1 is on the minus strand). VCF-style: chr8-144474776-G-A. GRCh37 (hg19) VCF-style: chr8-145700159-G-A.
Other names: c.560C>T (NM_003923.2); short protein forms P187L.
Identifiers: ClinVar variation 1516632 (VCV001516632.7), dbSNP rs371197993, ClinGen allele CA4945498.